The following is an entry in ClinVar:

ClinVar aggregate classification (germline): Uncertain significance (1 of 4 stars; one submission).

Submission:

Labcorp Genetics (formerly Invitae), Labcorp
Classification: Uncertain significance. Last evaluated: 2021-08-20. Review status: criteria provided, single submitter. Criteria: Invitae Variant Classification Sherloc (09022015). Collection method: clinical testing. Allele origin: germline.
Comment: This sequence change replaces glutamine with proline at codon 6280 of the ADGRV1 protein (p.Gln6280Pro). The glutamine residue is weakly conserved and there is a moderate physicochemical difference between glutamine and proline. This variant is not present in population databases (ExAC no frequency). This variant has not been reported in the literature in individuals affected with ADGRV1-related conditions. Algorithms developed to predict the effect of missense changes on protein structure and function are either unavailable or do not agree on the potential impact of this missense change (SIFT: "Tolerated"; PolyPhen-2: "Possibly Damaging"; Align-GVGD: "Class C0"). Algorithms developed to predict the effect of sequence changes on RNA splicing suggest that this variant may create or strengthen a splice site. In summary, the available evidence is currently insufficient to determine the role of this variant in disease. Therefore, it has been classified as a Variant of Uncertain Significance.

NM_032119.4(ADGRV1):c.18839A>C (p.Gln6280Pro)

Gene: ADGRV1 (adhesion G protein-coupled receptor V1; plus strand). Cytogenetic location: 5q14.3.
Variant type: single nucleotide variant.
Coding change: c.18839A>C on transcript NM_032119.4 (MANE Select); coding-DNA position 18839, A replaced by C.
Protein change: p.Gln6280Pro; replaces glutamine 6280 with proline.
Molecular consequence: missense variant. On other transcripts: non-coding transcript variant (1).
Genome position (GRCh38, 1-based): chr5:91,163,818, A>C. VCF-style: chr5-91163818-A-C. GRCh37 (hg19) VCF-style: chr5-90459635-A-C.
Other names: short protein forms Q6280P.
Identifiers: ClinVar variation 1376606 (VCV001376606.6), dbSNP rs2126977387, ClinGen allele CA360432913.